The following is an entry in ClinVar:

ClinVar aggregate classification (germline): Uncertain significance (1 of 4 stars; one submission).

Conditions:
Infantile spasms. Also called: Infantile spasm. Identifiers: MedGen C3887898, HP:0012469.

Allele frequency attached by ClinVar (database versions not stated): gnomAD 0.00001; TOPMed 0.00001.
gnomAD v4.1: 21 of 1,595,444 alleles (0.0013%); highest among the groups gnomAD compares: African/African-American, 0.0027%; no homozygotes.

Submission:

Labcorp Genetics (formerly Invitae), Labcorp
Classification: Uncertain significance for Infantile spasms. Last evaluated: 2022-04-18. Review status: criteria provided, single submitter. Criteria: Invitae Variant Classification Sherloc (09022015). Collection method: clinical testing. Allele origin: germline.
Comment: In summary, the available evidence is currently insufficient to determine the role of this variant in disease. Therefore, it has been classified as a Variant of Uncertain Significance. Algorithms developed to predict the effect of missense changes on protein structure and function (SIFT, PolyPhen-2, Align-GVGD) all suggest that this variant is likely to be disruptive. This variant has not been reported in the literature in individuals affected with PIK3AP1-related conditions. The frequency data for this variant in the population databases is considered unreliable, as metrics indicate poor data quality at this position in the gnomAD database. This sequence change replaces alanine, which is neutral and non-polar, with valine, which is neutral and non-polar, at codon 344 of the PIK3AP1 protein (p.Ala344Val).

NM_152309.3(PIK3AP1):c.1031C>T (p.Ala344Val)

Gene: PIK3AP1 (phosphoinositide-3-kinase adaptor protein 1; minus strand). Cytogenetic location: 10q24.1.
Variant type: single nucleotide variant.
Coding change: c.1031C>T on transcript NM_152309.3 (MANE Select); coding-DNA position 1031, C replaced by T.
Protein change: p.Ala344Val; replaces alanine 344 with valine.
Molecular consequence: missense variant.
Genome position (GRCh38, 1-based): chr10:96,648,813, G>A on the plus strand (C>T on the coding strand, the complement: PIK3AP1 is on the minus strand). VCF-style: chr10-96648813-G-A. GRCh37 (hg19) VCF-style: chr10-98408570-G-A.
Other names: short protein forms A344V.
Identifiers: ClinVar variation 2160388 (VCV002160388.4), dbSNP rs776888722, ClinGen allele CA5626390.